The following is an entry in ClinVar:

NM_018669.6(WDR4):c.1165C>T (p.Arg389Cys)

Gene: WDR4 (WDR4 tRNA N7-guanosine methyltransferase non-catalytic subunit; minus strand). Cytogenetic location: 21q22.3.
Variant type: single nucleotide variant.
Coding change: c.1165C>T on transcript NM_018669.6 (MANE Select); coding-DNA position 1165, C replaced by T.
Protein change: p.Arg389Cys; replaces arginine 389 with cysteine.
Molecular consequence: missense variant. On other transcripts: non-coding transcript variant (1).
Genome position (GRCh38, 1-based): chr21:42,850,123, G>A on the plus strand (C>T on the coding strand, the complement: WDR4 is on the minus strand). VCF-style: chr21-42850123-G-A. GRCh37 (hg19) VCF-style: chr21-44270233-G-A.
Other names: c.1165C>T (NM_033661.4, NM_018669.4); c.1162C>T, p.Arg388Cys (NM_001260474.2); c.727C>T, p.Arg243Cys (NM_001260475.2, NM_001260476.2, NM_001260477.2 and 1 more transcripts); c.1165C>T, p.Arg389Cys (NM_033661.5); short protein forms R388C, R389C, R243C.
Identifiers: ClinVar variation 2176666 (VCV002176666.3), dbSNP rs781557232, ClinGen allele CA10045770.
Genomic context (GRCh38, chr21:42,850,123, plus strand): 5'-TCGCCTCCCCCGGTCTCATCTTCTTGGCATGCCCGTCGGGCCCAGGCGGGGGACTCCGGC[G>A]CCGCTGCTTCTTCTCTAGCTGCTGCTGCAGTCTCTCCTCTTTCTTCTTCAGGTAGGAGGT-3'
Protein context (NP_061139.2, residues 379-399): LQQQLEKKQR[Arg389Cys]RSPPPGPDGH

ClinVar aggregate classification (germline): Uncertain significance. Review status: criteria provided, multiple submitters, no conflicts (2 of 4 stars). 3 submissions from 3 submitters: Uncertain significance (3). Last evaluated 2025-08-03.

Conditions:
Inborn genetic diseases. Identifiers: MedGen C0950123, MeSH D030342.
WDR4-related disorder. Also called: WDR4-related condition; WDR4-Related Disorders.

Allele frequency attached by ClinVar (database versions not stated): ExAC 0.00003; gnomAD 0.00003; gnomAD exomes 0.00003; TOPMed 0.00005.
gnomAD v4.1: 42 of 1,613,884 alleles (0.0026%); highest among the groups gnomAD compares: South Asian, 0.0088%; 1 homozygote.

Submissions (3):

Ambry Genetics
Classification: Uncertain significance for Inborn genetic diseases. Last evaluated: 2025-08-03. Review status: criteria provided, single submitter. Criteria: Ambry Variant Classification Scheme 2023. Collection method: clinical testing. Allele origin: germline.

PreventionGenetics, part of Exact Sciences
Classification: Uncertain significance for WDR4-related condition. Last evaluated: 2023-08-14. Review status: criteria provided, single submitter. Criteria: ACMG Guidelines, 2015. Collection method: clinical testing. Allele origin: germline.
Comment: The WDR4 c.1165C>T variant is predicted to result in the amino acid substitution p.Arg389Cys. To our knowledge, this variant has not been reported in the literature. This variant is reported in 0.0080% of alleles in individuals of African descent in gnomAD. At this time, the clinical significance of this variant is uncertain due to the absence of conclusive functional and genetic evidence.

Labcorp Genetics (formerly Invitae), Labcorp
Classification: Uncertain significance. Last evaluated: 2022-05-12. Review status: criteria provided, single submitter. Criteria: Invitae Variant Classification Sherloc (09022015). Collection method: clinical testing. Allele origin: germline.
Comment: This sequence change replaces arginine, which is basic and polar, with cysteine, which is neutral and slightly polar, at codon 389 of the WDR4 protein (p.Arg389Cys). This variant is present in population databases (rs781557232, gnomAD 0.008%). This variant has not been reported in the literature in individuals affected with WDR4-related conditions. Algorithms developed to predict the effect of missense changes on protein structure and function are either unavailable or do not agree on the potential impact of this missense change (SIFT: "Deleterious"; PolyPhen-2: "Possibly Damaging"; Align-GVGD: "Class C0"). Algorithms developed to predict the effect of sequence changes on RNA splicing suggest that this variant may create or strengthen a splice site. In summary, the available evidence is currently insufficient to determine the role of this variant in disease. Therefore, it has been classified as a Variant of Uncertain Significance.